The following is an entry in ClinVar:

NM_015330.6(SPECC1L):c.2326C>T (p.Arg776Cys)

Genes: SPECC1L (sperm antigen with calponin homology and coiled-coil domains 1 like; plus strand), SPECC1L-ADORA2A (SPECC1L-ADORA2A readthrough (NMD candidate); plus strand). Cytogenetic location: 22q11.23.
Variant type: single nucleotide variant.
Coding change: c.2326C>T on transcript NM_015330.6 (MANE Select); coding-DNA position 2326, C replaced by T.
Protein change: p.Arg776Cys; replaces arginine 776 with cysteine.
Molecular consequence: missense variant. On other transcripts: non-coding transcript variant (1).
Genome position (GRCh38, 1-based): chr22:24,330,361, C>T. VCF-style: chr22-24330361-C-T. GRCh37 (hg19) VCF-style: chr22-24726329-C-T.
Other names: c.2326C>T, p.Arg776Cys (NM_001145468.4, NM_001254732.3); short protein forms R776C.
Identifiers: ClinVar variation 741495 (VCV000741495.32), dbSNP rs201618130, ClinGen allele CA10152279.

ClinVar aggregate classification (germline): Benign. Review status: criteria provided, multiple submitters, no conflicts (2 of 4 stars). 2 submissions from 2 submitters: Benign (2). Last evaluated 2025-12-22.

Allele frequency attached by ClinVar (database versions not stated): gnomAD 0.00011 and 0.00013; TOPMed 0.00026; 1000 Genomes Project 0.00040; 1000 Genomes Project 30x 0.00047; ExAC 0.00049; gnomAD exomes 0.00053.
gnomAD v4.1: 181 of 1,613,952 alleles (0.011%); highest among the groups gnomAD compares: East Asian, 0.37%; no homozygotes.

Submissions (2):

Labcorp Genetics (formerly Invitae), Labcorp
Classification: Benign. Last evaluated: 2025-12-22. Review status: criteria provided, single submitter. Criteria: Invitae Variant Classification Sherloc (09022015). Collection method: clinical testing. Allele origin: germline.

CeGaT Center for Human Genetics Tuebingen
Classification: Benign. Last evaluated: 2023-06-01. Review status: criteria provided, single submitter. Criteria: CeGaT Center For Human Genetics Tuebingen Variant Classification Criteria Version 2. Collection method: clinical testing. Allele origin: germline. Affected: yes. Observed: 1 variant allele.
Comment: SPECC1L: BS1, BS2